The following is an entry in ClinVar:

NM_001037335.2(HELZ2):c.7689C>T (p.Thr2563=)

Gene: HELZ2 (helicase with zinc finger 2; minus strand). Cytogenetic location: 20q13.33.
Variant type: single nucleotide variant.
Coding change: c.7689C>T on transcript NM_001037335.2 (MANE Select); coding-DNA position 7689, C replaced by T.
Protein change: p.Thr2563=; no amino-acid change (threonine 2563 retained).
Molecular consequence: synonymous variant.
Genome position (GRCh38, 1-based): chr20:63,560,064, G>A on the plus strand (C>T on the coding strand, the complement: HELZ2 is on the minus strand). VCF-style: chr20-63560064-G-A. GRCh37 (hg19) VCF-style: chr20-62191417-G-A.
Other names: c.5982C>T, p.Thr1994= (NM_033405.3).
Identifiers: ClinVar variation 2652548 (VCV002652548.24), dbSNP rs138935465, ClinGen allele CA9961024.

ClinVar aggregate classification (germline): Likely benign (1 of 4 stars; one submission).

Allele frequency attached by ClinVar (database versions not stated): ESP Exome Variant Server 0.00015; gnomAD 0.00021; TOPMed 0.00025; gnomAD exomes 0.00029; ExAC 0.00047; 1000 Genomes Project 30x 0.00078; 1000 Genomes Project 0.00100.
gnomAD v4.1: 468 of 1,608,136 alleles (0.029%); highest among the groups gnomAD compares: Middle Eastern, 0.15%; 3 homozygotes.

Submission:

CeGaT Center for Human Genetics Tuebingen
Classification: Likely benign. Last evaluated: 2022-06-01. Review status: criteria provided, single submitter. Criteria: CeGaT Center For Human Genetics Tuebingen Variant Classification Criteria Version 2. Collection method: clinical testing. Allele origin: germline. Affected: yes. Observed: 1 variant allele.
Comment: HELZ2: BP4, BP7